The following is an entry in ClinVar:

ClinVar aggregate classification (germline): Uncertain significance (1 of 4 stars; one submission).

Allele frequency attached by ClinVar (database versions not stated): gnomAD exomes 0.00001; ExAC 0.00002; gnomAD 0.00002 and 0.00003; ESP Exome Variant Server 0.00008.
gnomAD v4.1: 26 of 1,614,070 alleles (0.0016%); highest among the groups gnomAD compares: Middle Eastern, 0.033%; no homozygotes.

Submission:

Labcorp Genetics (formerly Invitae), Labcorp
Classification: Uncertain significance. Last evaluated: 2021-03-21. Review status: criteria provided, single submitter. Criteria: Invitae Variant Classification Sherloc (09022015). Collection method: clinical testing. Allele origin: germline.
Comment: Algorithms developed to predict the effect of missense changes on protein structure and function (SIFT, PolyPhen-2, Align-GVGD) all suggest that this variant is likely to be disruptive, but these predictions have not been confirmed by published functional studies and their clinical significance is uncertain. This sequence change replaces arginine with glutamine at codon 766 of the MCM4 protein (p.Arg766Gln). The arginine residue is highly conserved and there is a small physicochemical difference between arginine and glutamine. This variant is present in population databases (rs144284210, ExAC 0.01%). This variant has not been reported in the literature in individuals with MCM4-related conditions. Algorithms developed to predict the effect of sequence changes on RNA splicing suggest that this variant may create or strengthen a splice site, but this prediction has not been confirmed by published transcriptional studies. In summary, the available evidence is currently insufficient to determine the role of this variant in disease. Therefore, it has been classified as a Variant of Uncertain Significance.

NM_182746.3(MCM4):c.2297G>A (p.Arg766Gln)

Gene: MCM4 (minichromosome maintenance complex component 4; plus strand). Cytogenetic location: 8q11.21.
Variant type: single nucleotide variant.
Coding change: c.2297G>A on transcript NM_182746.3 (MANE Select); coding-DNA position 2297, G replaced by A.
Protein change: p.Arg766Gln; replaces arginine 766 with glutamine.
Molecular consequence: missense variant.
Genome position (GRCh38, 1-based): chr8:47,974,894, G>A. VCF-style: chr8-47974894-G-A. GRCh37 (hg19) VCF-style: chr8-48887454-G-A.
Other names: c.2297G>A, p.Arg766Gln (NM_005914.4); short protein forms R766Q.
Identifiers: ClinVar variation 1476331 (VCV001476331.8), dbSNP rs144284210, ClinGen allele CA4742872.
Genomic context (GRCh38, chr8:47,974,894, plus strand): 5'-AAGTAAGATTGTCTAACAAAGTTGAAGCCATTGATGTGGAAGAGGCCAAACGCCTCCATC[G>A]GGAAGCTCTGAAGCAGTCTGCAACTGATCCCCGGACTGGCATCGTGGACATATCTATTCT-3'
Protein context (NP_877423.1, residues 756-776): IDVEEAKRLH[Arg766Gln]EALKQSATDP